The following is an entry in ClinVar:

ClinVar aggregate classification (germline): Benign/Likely benign. Review status: criteria provided, multiple submitters, no conflicts (2 of 4 stars). 6 submissions from 6 submitters: Benign (5); Likely benign (1). Last evaluated 2026-01-28.

Conditions:
Maturity-onset diabetes of the young (MODY). Also called: Maturity onset diabetes mellitus in young. Identifiers: Orphanet 552, MedGen C0342276, MONDO:0018911, HP:0004904.
Maturity-onset diabetes of the young type 3. Also called: MODY type 3; MODY, type III. Identifiers: Orphanet 552, MedGen C1838100, MeSH C563933, MONDO:0010894, OMIM 600496. Disease mechanism: loss of function.

Allele frequency attached by ClinVar (database versions not stated): gnomAD 0.00004 and 0.00087; TOPMed 0.00021; gnomAD exomes 0.00151 and 0.00311; ExAC 0.00382; 1000 Genomes Project 30x 0.00812; 1000 Genomes Project 0.00839.
gnomAD v4.1: 2,299 of 1,597,718 alleles (0.14%); highest among the groups gnomAD compares: South Asian, 2.4%; 52 homozygotes.

Submissions (6):

Labcorp Genetics (formerly Invitae), Labcorp
Classification: Benign. Last evaluated: 2026-01-28. Review status: criteria provided, single submitter. Criteria: Invitae Variant Classification Sherloc (09022015). Collection method: clinical testing. Allele origin: germline.

Women's Health and Genetics/Laboratory Corporation of America, LabCorp
Classification: Benign. Last evaluated: 2025-01-08. Review status: criteria provided, single submitter. Criteria: LabCorp Variant Classification Summary - May 2015. Collection method: clinical testing. Allele origin: germline.
Comment: Variant summary: HNF1A c.1310-12C>T alters a nucleotide located at a position not widely known to affect splicing. Consensus agreement among computation tools predict no significant impact on normal splicing. However, these predictions have yet to be confirmed by functional studies. The variant allele was found at a frequency of 0.0031 in 241114 control chromosomes in the gnomAD database, including 18 homozygotes. The observed variant frequency is approximately 124.26 fold of the estimated maximal expected allele frequency for a pathogenic variant in HNF1A causing Maturity Onset Diabetes Of The Young 3 phenotype (2.5e-05). To our knowledge, no occurrence of c.1310-12C>T in individuals affected with Maturity Onset Diabetes Of The Young 3 and no experimental evidence demonstrating its impact on protein function have been reported. ClinVar contains an entry for this variant (Variation ID: 36799). Based on the evidence outlined above, the variant was classified as benign.

GeneDx
Classification: Likely benign. Last evaluated: 2020-12-10. Review status: criteria provided, single submitter. Criteria: GeneDx Variant Classification Process June 2021. Collection method: clinical testing. Allele origin: germline. Affected: yes.

Illumina Laboratory Services, Illumina
Classification: Benign for Maturity-onset diabetes of the young type 3. Last evaluated: 2018-01-12. Review status: criteria provided, single submitter. Criteria: ICSL Variant Classification Criteria 13 December 2019. Collection method: clinical testing. Allele origin: germline.
Comment: This variant was observed in the ICSL laboratory as part of a predisposition screen in an ostensibly healthy population. It had not been previously curated by ICSL or reported in the Human Gene Mutation Database (HGMD: prior to June 1st, 2018), and was therefore a candidate for classification through an automated scoring system. Utilizing variant allele frequency, disease prevalence and penetrance estimates, and inheritance mode, an automated score was calculated to assess if this variant is too frequent to cause the disease. Based on the score and internal cut-off values, a variant classified as benign is not then subjected to further curation. The score for this variant resulted in a classification of benign for this disease.

Athena Diagnostics
Classification: Benign. Last evaluated: 2017-03-29. Review status: criteria provided, single submitter. Criteria: Athena Diagnostics Criteria. Collection method: clinical testing. Allele origin: germline.

Clinical Genomics, Uppaluri K&H Personalized Medicine Clinic
Classification: Benign for Maturity-onset diabetes of the young. Review status: criteria provided, single submitter. Criteria: K & H Uppaluri Personalized Medicine Clinic Variant Classification & Assertion Criteria_Updated V.1. Collection method: research. Allele origin: unknown. Inheritance: Autosomal dominant inheritance.
Comment: Mutations in HNF1A gene can predispose to MODY3. It is associated with both micro and macrovascular complications of diabetes, especially cardiovascular complications. Associated with glucosuria. May respond well to sulfonylureas. However, more evidence is required to confer the association of this particular variant rs193922579 with MODY3.

Literature cited by the submitters: PubMed 31517624 (cited by Clinical Genomics, Uppaluri K&H Personalized Medicine Clinic); PubMed 35328643 (cited by Clinical Genomics, Uppaluri K&H Personalized Medicine Clinic); PubMed 35673428 (cited by Clinical Genomics, Uppaluri K&H Personalized Medicine Clinic); PubMed 32395877 (cited by Clinical Genomics, Uppaluri K&H Personalized Medicine Clinic).

NM_000545.8(HNF1A):c.1310-12C>T

Gene: HNF1A (HNF1 homeobox A; plus strand). Cytogenetic location: 12q24.31.
Variant type: single nucleotide variant.
Coding change: c.1310-12C>T on transcript NM_000545.8 (MANE Select); 12 bases into the intron before coding-DNA position 1310, C replaced by T.
Molecular consequence: intron variant.
Genome position (GRCh38, 1-based): chr12:120,997,462, C>T. VCF-style: chr12-120997462-C-T. GRCh37 (hg19) VCF-style: chr12-121435265-C-T.
Other names: c.1310-12C>T (NM_001306179.2).
Identifiers: ClinVar variation 36799 (VCV000036799.19), dbSNP rs193922579, ClinGen allele CA214262.